The following is an entry in ClinVar:

ClinVar aggregate classification (germline): Uncertain significance (1 of 4 stars; one submission).

Conditions:
Cardiovascular phenotype. Identifiers: MedGen CN230736.

Submission:

Ambry Genetics
Classification: Uncertain significance for Cardiovascular phenotype. Last evaluated: 2024-07-17. Review status: criteria provided, single submitter. Criteria: Ambry Variant Classification Scheme 2023. Collection method: clinical testing. Allele origin: germline.
Comment: The p.A79S variant (also known as c.235G>T), located in coding exon 3 of the NEXN gene, results from a G to T substitution at nucleotide position 235. The alanine at codon 79 is replaced by serine, an amino acid with similar properties. This amino acid position is conserved. In addition, the in silico prediction for this alteration is inconclusive. Based on the available evidence, the clinical significance of this variant remains unclear.

NM_144573.4(NEXN):c.235G>T (p.Ala79Ser)

Gene: NEXN (nexilin F-actin binding protein; plus strand). Cytogenetic location: 1p31.1.
Variant type: single nucleotide variant.
Coding change: c.235G>T on transcript NM_144573.4 (MANE Select); coding-DNA position 235, G replaced by T.
Protein change: p.Ala79Ser; replaces alanine 79 with serine.
Molecular consequence: missense variant.
Genome position (GRCh38, 1-based): chr1:77,917,975, G>T. VCF-style: chr1-77917975-G-T. GRCh37 (hg19) VCF-style: chr1-78383660-G-T.
Other names: c.43G>T, p.Ala15Ser (NM_001172309.2); short protein forms A15S, A79S.
Identifiers: ClinVar variation 3404555 (VCV003404555.1).